The following is an entry in ClinVar:

ClinVar aggregate classification (germline): Pathogenic (1 of 4 stars; one submission).

Conditions:
Peroxisome biogenesis disorder, complementation group 7 (CG7). Also called: Peroxisome biogenesis disorder, complementation group B. Identifiers: MedGen C1864399.

Submission:

Labcorp Genetics (formerly Invitae), Labcorp
Classification: Pathogenic for Peroxisome biogenesis disorder, complementation group 7. Last evaluated: 2023-02-08. Review status: criteria provided, single submitter. Criteria: Invitae Variant Classification Sherloc (09022015). Collection method: clinical testing. Allele origin: unknown.
Comment: This variant disrupts a region of the PEX10 protein in which other variant(s) (p.Leu297Pro) have been determined to be pathogenic (PMID: 19127411, 26319495, 30640048). This suggests that this is a clinically significant region of the protein, and that variants that disrupt it are likely to be disease-causing. For these reasons, this variant has been classified as Pathogenic. This variant has not been reported in the literature in individuals affected with PEX10-related conditions. This variant is a gross deletion of the genomic region encompassing exon(s) 2-6 of the PEX10 gene, which includes the termination codon. This deletion extends beyond the assayed region for this gene and therefore may encompass additional genes. While this deletion is not anticipated to lead to nonsense mediated decay, it is expected to alter mRNA translation or result in a truncated protein product.

Literature cited by the submitters: PubMed 19127411; PubMed 26319495; PubMed 30640048.

NC_000001.10:g.(?_2337205)_(2341910_?)del

Gene: PEX10 (peroxisomal biogenesis factor 10; minus strand). Cytogenetic location: 1p36.32.
Variant type: Deletion.
Identifiers: ClinVar variation 3247775 (VCV003247775.1).